The following is an entry in ClinVar:

ClinVar aggregate classification (germline): Likely benign (0 of 4 stars; one submission).

Conditions:
POMC-related disorder. Also called: POMC-related condition; POMC-related disorders.

gnomAD v4.1: 28 of 1,613,788 alleles (0.0017%); highest among the groups gnomAD compares: East Asian, 0.0045%; no homozygotes.

Submission:

PreventionGenetics, part of Exact Sciences
Classification: Likely benign for POMC-related condition. Last evaluated: 2020-09-11. Review status: no assertion criteria provided. Collection method: clinical testing. Allele origin: germline.
Comment: This variant is classified as likely benign based on ACMG/AMP sequence variant interpretation guidelines (Richards et al. 2015 PMID: 25741868, with internal and published modifications).

NM_000939.4(POMC):c.12G>A (p.Ser4=)

Gene: POMC (proopiomelanocortin; minus strand). Cytogenetic location: 2p23.3.
Variant type: single nucleotide variant.
Coding change: c.12G>A on transcript NM_000939.4 (MANE Select); coding-DNA position 12, G replaced by A.
Protein change: p.Ser4=; no amino-acid change (serine 4 retained).
Molecular consequence: synonymous variant.
Genome position (GRCh38, 1-based): chr2:25,164,761, C>T on the plus strand (G>A on the coding strand, the complement: POMC is on the minus strand). VCF-style: chr2-25164761-C-T. GRCh37 (hg19) VCF-style: chr2-25387630-C-T.
Other names: c.12G>A, p.Ser4= (NM_001035256.3, NM_001319204.2, NM_001319205.2).
Identifiers: ClinVar variation 3036959 (VCV003036959.2), dbSNP rs773178150, ClinGen allele CA1555429.
Genomic context (GRCh38, chr2:25,164,761, plus strand): 5'-CACTTCCATGGAGGCCTGAAGCAGCAAGGCCAGCAACAGGGCCCCCGAGCGGCTGCAGCA[C>T]GATCTCGGCATCTTCCAGGCAGGCTGAGGCTCTGCAGAAGCAAACAAGATTGGTGGGACC-3'
Protein context (NP_000930.1, residues 1-14): MPR[Ser4=]CCSRSGALLL